The following is an entry in ClinVar:

NM_013339.4(ALG6):c.1194dup (p.Ile399fs)

Gene: ALG6 (ALG6 alpha-1,3-glucosyltransferase; plus strand). Cytogenetic location: 1p31.3.
Variant type: Duplication.
Coding change: c.1194dup on transcript NM_013339.4 (MANE Select); coding-DNA position 1194, one base duplicated (T; older notation c.1194dupT).
Protein change: p.Ile399fs; shifts the reading frame from isoleucine 399.
Molecular consequence: frameshift variant.
Genome position (GRCh38, 1-based): chr1:63,428,994, T duplicated; the last of 6 consecutive T bases (chr1:63,428,989-63,428,994); duplicating any one gives the same sequence. VCF-style (leftmost placement, unchanged base first): chr1-63428988-A-AT. GRCh37 (hg19) VCF-style: chr1-63894659-A-AT.
Other names: c.1194dupT (NM_013339.3); c.1194dup, p.Ile399fs (LRG_1260t1); c.1194dup (NM_013339.3); short protein forms I399fs.
Identifiers: ClinVar variation 551075 (VCV000551075.11), dbSNP rs1207096732, ClinGen allele CA523752474.

ClinVar aggregate classification (germline): Pathogenic/Likely pathogenic. Review status: criteria provided, multiple submitters, no conflicts (2 of 4 stars). 4 submissions from 4 submitters: Pathogenic (1); Likely pathogenic (2). 1 of the submissions does not count toward it. Last evaluated 2025-11-06.

Conditions:
ALG6-congenital disorder of glycosylation 1C (CDG1C). Also called: Congenital disorder of glycosylation, type Ic; CARBOHYDRATE-DEFICIENT GLYCOPROTEIN SYNDROME, TYPE I, WITH DEFICIENT GLYCOSYLATION OF DOLICHOL-LINKED OLIGOSACCHARIDE; CARBOHYDRATE-DEFICIENT GLYCOPROTEIN SYNDROME, TYPE V; Congenital disorder of glycosylation type 1C; CDG Ic. Identifiers: Orphanet 79320, MedGen C2930997, MONDO:0011291, OMIM 603147.

Submissions (4):

Labcorp Genetics (formerly Invitae), Labcorp
Classification: Pathogenic for ALG6-congenital disorder of glycosylation 1C. Last evaluated: 2025-11-06. Review status: criteria provided, single submitter. Criteria: Invitae Variant Classification Sherloc (09022015). Collection method: clinical testing. Allele origin: germline.
Comment: This sequence change creates a premature translational stop signal (p.Ile399Tyrfs*11) in the ALG6 gene. It is expected to result in an absent or disrupted protein product. Loss-of-function variants in ALG6 are known to be pathogenic (PMID: 19862844). This variant is present in population databases (no rsID available, gnomAD 0.01%). This variant has not been reported in the literature in individuals affected with ALG6-related conditions. ClinVar contains an entry for this variant (Variation ID: 551075). For these reasons, this variant has been classified as Pathogenic.

Natera, Inc.
Classification: Likely pathogenic for Congenital disorder of glycosylation type 1c. Last evaluated: 2024-07-09. Review status: criteria provided, single submitter. Criteria: Natera Variant Classification Schema (03/2026). Collection method: clinical testing. Allele origin: germline.
Comment: The c.1194dup variant in ALG6 is a frameshift variant predicted to shift the reading frame beginning at codon 399 and leads to a stop codon 11 codons downstream. This variant is expected to result in nonsense mediated decay, truncation, or a dysfunctional protein product. This variant is rare in the general population with a frequency below the threshold expected for the associated phenotype(s). Given the available evidence, this variant is classified as Likely Pathogenic.

Fulgent Genetics
Classification: Likely pathogenic for ALG6-congenital disorder of glycosylation 1C. Last evaluated: 2024-05-13. Review status: criteria provided, single submitter. Criteria: ACMG Guidelines, 2015. Collection method: clinical testing. Allele origin: germline.

Counsyl
Classification: Likely pathogenic for ALG6-congenital disorder of glycosylation 1C. Last evaluated: 2017-03-23. Review status: no assertion criteria provided. Collection method: clinical testing. Allele origin: unknown. Not counted in ClinVar's aggregate classification.

Literature cited by the submitters: PubMed 19862844 (cited by Labcorp Genetics (formerly Invitae), Labcorp).